The following is an entry in ClinVar:

ClinVar aggregate classification (germline): Conflicting classifications of pathogenicity. Review status: criteria provided, conflicting classifications (1 of 4 stars). 3 submissions from 3 submitters: Uncertain significance (1); Likely benign (1). 1 of the submissions does not count toward it. Last evaluated 2025-12-20.

Conditions:
ABCC2-related disorder. Also called: ABCC2-related condition.

Allele frequency attached by ClinVar (database versions not stated): gnomAD exomes 0.00003 and 0.00009; ExAC 0.00013; 1000 Genomes Project 30x 0.00016; 1000 Genomes Project 0.00020; gnomAD 0.00031 and 0.00032; TOPMed 0.00035; ESP Exome Variant Server 0.00054.
gnomAD v4.1: 89 of 1,614,056 alleles (0.0055%); highest among the groups gnomAD compares: African/African-American, 0.11%; no homozygotes.

Submissions (3):

Labcorp Genetics (formerly Invitae), Labcorp
Classification: Likely benign. Last evaluated: 2025-12-20. Review status: criteria provided, single submitter. Criteria: Invitae Variant Classification Sherloc (09022015). Collection method: clinical testing. Allele origin: germline.

Eurofins Ntd Llc (ga)
Classification: Uncertain significance. Last evaluated: 2017-03-07. Review status: criteria provided, single submitter. Criteria: EGL Classification Definitions 2015. Collection method: clinical testing. Allele origin: germline. Observed: 1 variant allele, 1 heterozygote.

PreventionGenetics, part of Exact Sciences
Classification: Likely benign for ABCC2-related condition. Last evaluated: 2023-09-18. Review status: no assertion criteria provided. Collection method: clinical testing. Allele origin: germline. Not counted in ClinVar's aggregate classification.
Comment: This variant is classified as likely benign based on ACMG/AMP sequence variant interpretation guidelines (Richards et al. 2015 PMID: 25741868, with internal and published modifications).

NM_000392.5(ABCC2):c.339G>A (p.Leu113=)

Gene: ABCC2 (ATP binding cassette subfamily C member 2; plus strand). Cytogenetic location: 10q24.2.
Variant type: single nucleotide variant.
Coding change: c.339G>A on transcript NM_000392.5 (MANE Select); coding-DNA position 339, G replaced by A.
Protein change: p.Leu113=; no amino-acid change (leucine 113 retained).
Molecular consequence: synonymous variant.
Genome position (GRCh38, 1-based): chr10:99,793,556, G>A. VCF-style: chr10-99793556-G-A. GRCh37 (hg19) VCF-style: chr10-101553313-G-A.
Other names: c.339G>A (NM_000392.4); c.339G>A, p.Leu113= (LRG_1208t1).
Identifiers: ClinVar variation 500775 (VCV000500775.10), dbSNP rs151304543, ClinGen allele CA5642865.